The following is an entry in ClinVar:

ClinVar aggregate classification (germline): Conflicting classifications of pathogenicity. Review status: criteria provided, conflicting classifications (1 of 4 stars). 3 submissions from 3 submitters: Pathogenic (1); Likely pathogenic (1); Uncertain significance (1). Last evaluated 2026-01-09.

Conditions:
TRMU-related disorder. Also called: TRMU-related condition.
Acute infantile liver failure due to synthesis defect of mtDNA-encoded proteins. Also called: LIVER FAILURE, INFANTILE, TRANSIENT; Liver failure acute infantile; TRMU Deficiency. Identifiers: Orphanet 217371, MedGen C3278664, MONDO:0013111, OMIM 613070.

Submissions (3):

Stanford Starfish Project, Stanford University
Classification: Pathogenic for TRMU Deficiency. Last evaluated: 2026-01-09. Review status: criteria provided, single submitter. Criteria: ACMG Guidelines, 2015. Collection method: provider interpretation. Allele origin: biparental. Inheritance: Autosomal recessive inheritance. Affected: yes. Observed: 1 homozygote.
Comment: The TRMU c.652-6_652-2del variant is predicted to weaken the canonical acceptor splice site and may result in aberrant splicing. This variant is reported in 0.0029% of alleles in individuals of Latino descent in gnomAD.

GeneDx
Classification: Likely pathogenic. Last evaluated: 2025-12-05. Review status: criteria provided, single submitter. Criteria: GeneDx Variant Classification Process June 2021. Collection method: clinical testing. Allele origin: germline.
Comment: Canonical splice site variant predicted to result in an in-frame loss of the adjacent exon in a gene for which loss of function is a known mechanism of disease; Not observed at significant frequency in large population cohorts (gnomAD); Has not been previously published as pathogenic or benign to our knowledge

PreventionGenetics, part of Exact Sciences
Classification: Uncertain significance for TRMU-related disorder. Last evaluated: 2023-12-02. Review status: criteria provided, single submitter. Criteria: ACMG Guidelines, 2015. Collection method: clinical testing. Allele origin: germline. Inheritance: Autosomal recessive inheritance.
Comment: The TRMU c.652-6_652-2del variant is predicted to weaken the canonical acceptor splice site and may result in aberrant splicing. To our knowledge, this variant has not been reported in the literature. This variant is reported in 0.0029% of alleles in individuals of Latino descent in gnomAD. Although we suspect that this variant may be pathogenic, at this time, the clinical significance of this variant is uncertain due to the absence of conclusive functional and genetic evidence.

NM_018006.5(TRMU):c.652-6_652-2del

Gene: TRMU (tRNA mitochondrial 2-thiouridylase; plus strand). Cytogenetic location: 22q13.31.
Variant type: Deletion.
Coding change: c.652-6_652-2del on transcript NM_018006.5 (MANE Select); 6 bases into the intron before coding-DNA position 652 through the canonical splice acceptor site of the intron before coding-DNA position 652, 5 bases deleted (TTTCA; older notation c.652-6_652-2delTTTCA).
Molecular consequence: splice acceptor variant.
Genome position (GRCh38, 1-based): chr22:46,352,115-46,352,119, TTTCA deleted; deleting any 5 consecutive bases within chr22:46,352,112-46,352,119 gives the same sequence; the c. name uses the placement nearest the transcript's 3' end. VCF-style (leftmost placement, unchanged base first): chr22-46352111-CTCATT-C. GRCh37 (hg19) VCF-style: chr22-46748008-CTCATT-C.
Other names: c.652-6_652-2del (NM_001282785.2); c.310-6_310-2del (NM_001282782.2); c.232-6_232-2del (NM_001282783.2, NM_001282784.2).
Identifiers: ClinVar variation 3777049 (VCV003777049.5).